The following is an entry in ClinVar:

NM_145200.5(CABP4):c.322G>A (p.Ala108Thr)

Gene: CABP4 (calcium binding protein 4; plus strand). Cytogenetic location: 11q13.2.
Variant type: single nucleotide variant.
Coding change: c.322G>A on transcript NM_145200.5 (MANE Select); coding-DNA position 322, G replaced by A.
Protein change: p.Ala108Thr; replaces alanine 108 with threonine.
Molecular consequence: missense variant. On other transcripts: 5 prime UTR variant (3), non-coding transcript variant (1).
Genome position (GRCh38, 1-based): chr11:67,455,745, G>A. VCF-style: chr11-67455745-G-A. GRCh37 (hg19) VCF-style: chr11-67223216-G-A.
Other names: c.322G>A (NM_145200.3); c.-62G>A (NM_001300895.3); c.-76G>A (NM_001300896.3, NM_001379183.1); short protein forms A108T.
Identifiers: ClinVar variation 1411880 (VCV001411880.9), dbSNP rs199718669, ClinGen allele CA6140138.
Genomic context (GRCh38, chr11:67,455,745, plus strand): 5'-CCTGGGCCGGCCTCTTCTCGCCAGTCCCACCGACATCGTCCTGACTCCCTGCACGACGCT[G>A]CTCAGAGGACATACGGGCCCCTGCTCAATCGAGTCTTCGGGAAGGTTAGGTGGGACCTGG-3'
Protein context (NP_660201.1, residues 98-118): RHRPDSLHDA[Ala108Thr]QRTYGPLLNR

ClinVar aggregate classification (germline): Uncertain significance. Review status: criteria provided, multiple submitters, no conflicts (2 of 4 stars). 5 submissions from 5 submitters: Uncertain significance (4). 1 of the submissions does not count toward it. Last evaluated 2024-12-18.

Conditions:
CABP4-related disorder. Also called: CABP4-related condition.
Inborn genetic diseases. Identifiers: MedGen C0950123, MeSH D030342.
Retinal dystrophy. Also called: Inherited retinal dystrophy. Identifiers: Orphanet 71862, MedGen C0854723, MeSH D058499, MONDO:0019118, HP:0000556.

Allele frequency attached by ClinVar (database versions not stated): gnomAD 0.00001; gnomAD exomes 0.00001 and 0.00003; TOPMed 0.00002; ExAC 0.00007; 1000 Genomes Project 30x 0.00016; 1000 Genomes Project 0.00020.

Submissions (5):

PreventionGenetics, part of Exact Sciences
Classification: Uncertain significance for CABP4-related condition. Last evaluated: 2024-12-18. Review status: criteria provided, single submitter. Criteria: ACMG Guidelines, 2015. Collection method: clinical testing. Allele origin: germline.
Comment: The CABP4 c.322G>A variant is predicted to result in the amino acid substitution p.Ala108Thr. To our knowledge, this variant has not been reported in the literature. This variant is reported in 0.0063% of alleles in individuals of European (Non-Finnish) descent in gnomAD. At this time, the clinical significance of this variant is uncertain due to the absence of conclusive functional and genetic evidence.

Ambry Genetics
Classification: Uncertain significance for Inborn genetic diseases. Last evaluated: 2023-08-10. Review status: criteria provided, single submitter. Criteria: Ambry Variant Classification Scheme 2023. Collection method: clinical testing. Allele origin: germline.

Labcorp Genetics (formerly Invitae), Labcorp
Classification: Uncertain significance. Last evaluated: 2021-09-01. Review status: criteria provided, single submitter. Criteria: Invitae Variant Classification Sherloc (09022015). Collection method: clinical testing. Allele origin: germline.
Comment: This sequence change replaces alanine with threonine at codon 108 of the CABP4 protein (p.Ala108Thr). The alanine residue is moderately conserved and there is a small physicochemical difference between alanine and threonine. This variant is present in population databases (rs199718669, ExAC 0.01%). This variant has not been reported in the literature in individuals affected with CABP4-related conditions. Advanced modeling of protein sequence and biophysical properties (such as structural, functional, and spatial information, amino acid conservation, physicochemical variation, residue mobility, and thermodynamic stability) performed at Invitae indicates that this missense variant is not expected to disrupt CABP4 protein function. In summary, the available evidence is currently insufficient to determine the role of this variant in disease. Therefore, it has been classified as a Variant of Uncertain Significance.

Blueprint Genetics
Classification: Uncertain significance. Last evaluated: 2019-09-05. Review status: criteria provided, single submitter. Criteria: ACMG Guidelines, 2015. Collection method: clinical testing. Allele origin: germline.

Institute of Human Genetics, Univ. Regensburg, Univ. Regensburg
Classification: Uncertain significance for Retinal dystrophy. Last evaluated: 2023-01-01. Review status: no assertion criteria provided. Criteria: ACMG Guidelines, 2015. Collection method: clinical testing. Allele origin: germline. Affected: yes. Not counted in ClinVar's aggregate classification.